The following is an entry in ClinVar:

ClinVar aggregate classification (germline): Uncertain significance (1 of 4 stars; one submission).

Submission:

GeneDx
Classification: Uncertain significance. Last evaluated: 2025-04-20. Review status: criteria provided, single submitter. Criteria: GeneDx Variant Classification Process June 2021. Collection method: clinical testing. Allele origin: germline. Affected: yes.
Comment: Not observed at significant frequency in large population cohorts (gnomAD); Has not been previously published as pathogenic or benign to our knowledge; In silico analysis supports a deleterious effect on splicing; Located in a regulatory region; in the absence of functional studies, the actual effect of this sequence change is unknown

NM_013275.6(ANKRD11):c.-144-3C>G

Gene: ANKRD11 (ankyrin repeat domain containing 11; minus strand). Cytogenetic location: 16q24.3.
Variant type: single nucleotide variant.
Coding change: c.-144-3C>G on transcript NM_013275.6 (MANE Select); 3 bases into the intron before 144 bases upstream of the start codon, C replaced by G.
Molecular consequence: intron variant.
Genome position (GRCh38, 1-based): chr16:89,418,371, G>C on the plus strand (C>G on the coding strand, the complement: ANKRD11 is on the minus strand). VCF-style: chr16-89418371-G-C. GRCh37 (hg19) VCF-style: chr16-89484779-G-C.
Other names: c.-141-3C>G (NM_001256183.2); c.-144-3C>G (NM_001256182.2).
Identifiers: ClinVar variation 4282440 (VCV004282440.1).
Genomic context (GRCh38, chr16:89,418,371, plus strand): 5'-ACGAGGACTGTCTTTTAAATCCAATGGAGGTGTGTCCCAGAGCAGGGCTGTATATATTCT[G>C]AAACAAGAGAGTGAGATTAGCTCATGTCAATAATAATTTCAGCCTCAGTTCTTTCATCGC-3'